The following is an entry in ClinVar:

ClinVar aggregate classification (germline): Uncertain significance. Review status: criteria provided, multiple submitters, no conflicts (2 of 4 stars). 2 submissions from 2 submitters: Uncertain significance (2). Last evaluated 2023-07-17.

Conditions:
Progressive sclerosing poliodystrophy (MTDPS4A). Also called: ALPERS DIFFUSE DEGENERATION OF CEREBRAL GRAY MATTER WITH HEPATIC CIRRHOSIS; Alpers-Huttenlocher Syndrome; Mitochondrial DNA depletion syndrome 4A (Alpers type); ALPERS PROGRESSIVE INFANTILE POLIODYSTROPHY; Alpers Syndrome; NEURONAL DEGENERATION OF CHILDHOOD WITH LIVER DISEASE, PROGRESSIVE. Identifiers: Orphanet 726, MedGen C0205710, MONDO:0008758, OMIM 203700.

gnomAD v4.1: 2 of 1,614,136 alleles (0.00012%); highest among the groups gnomAD compares: Non-Finnish European, 0.00017%; no homozygotes.

Submissions (2):

Labcorp Genetics (formerly Invitae), Labcorp
Classification: Uncertain significance for Progressive sclerosing poliodystrophy. Last evaluated: 2023-07-17. Review status: criteria provided, single submitter. Criteria: Invitae Variant Classification Sherloc (09022015). Collection method: clinical testing. Allele origin: germline.
Comment: In summary, the available evidence is currently insufficient to determine the role of this variant in disease. Therefore, it has been classified as a Variant of Uncertain Significance. Advanced modeling of protein sequence and biophysical properties (such as structural, functional, and spatial information, amino acid conservation, physicochemical variation, residue mobility, and thermodynamic stability) performed at Invitae indicates that this missense variant is expected to disrupt POLG protein function. ClinVar contains an entry for this variant (Variation ID: 1466459). This variant has not been reported in the literature in individuals affected with POLG-related conditions. This variant is not present in population databases (gnomAD no frequency). This sequence change replaces aspartic acid, which is acidic and polar, with tyrosine, which is neutral and polar, at codon 346 of the POLG protein (p.Asp346Tyr).

Blueprint Genetics
Classification: Uncertain significance. Last evaluated: 2019-10-04. Review status: criteria provided, single submitter. Criteria: ACMG Guidelines, 2015. Collection method: clinical testing. Allele origin: germline.

NM_002693.3(POLG):c.1036G>T (p.Asp346Tyr)

Gene: POLG (DNA polymerase gamma, catalytic subunit; minus strand). Cytogenetic location: 15q26.1.
Variant type: single nucleotide variant.
Coding change: c.1036G>T on transcript NM_002693.3 (MANE Select); coding-DNA position 1036, G replaced by T.
Protein change: p.Asp346Tyr; replaces aspartic acid 346 with tyrosine.
Molecular consequence: missense variant.
Genome position (GRCh38, 1-based): chr15:89,328,819, C>A on the plus strand (G>T on the coding strand, the complement: POLG is on the minus strand). VCF-style: chr15-89328819-C-A. GRCh37 (hg19) VCF-style: chr15-89872050-C-A.
Other names: c.1036G>T, p.Asp346Tyr (NM_001126131.2); short protein forms D346Y.
Identifiers: ClinVar variation 1466459 (VCV001466459.9), dbSNP rs2152067994, ClinGen allele CA393765224.